The following is an entry in ClinVar:

ClinVar aggregate classification (germline): Uncertain significance (1 of 4 stars; one submission).

Allele frequency attached by ClinVar (database versions not stated): gnomAD exomes 0.00001; TOPMed 0.00001; ExAC 0.00003; gnomAD 0.00003; 1000 Genomes Project 0.00020; 1000 Genomes Project 30x 0.00031.
gnomAD v4.1: 7 of 1,614,070 alleles (0.00043%); highest among the groups gnomAD compares: African/African-American, 0.008%; no homozygotes.

Submission:

Labcorp Genetics (formerly Invitae), Labcorp
Classification: Uncertain significance. Last evaluated: 2021-12-25. Review status: criteria provided, single submitter. Criteria: Invitae Variant Classification Sherloc (09022015). Collection method: clinical testing. Allele origin: germline.
Comment: In summary, the available evidence is currently insufficient to determine the role of this variant in disease. Therefore, it has been classified as a Variant of Uncertain Significance. Algorithms developed to predict the effect of sequence changes on RNA splicing suggest that this variant may create or strengthen a splice site. Algorithms developed to predict the effect of missense changes on protein structure and function (SIFT, PolyPhen-2, Align-GVGD) all suggest that this variant is likely to be disruptive. This variant has not been reported in the literature in individuals affected with TUBA8-related conditions. This variant is present in population databases (rs557317819, gnomAD 0.02%). This sequence change replaces isoleucine, which is neutral and non-polar, with valine, which is neutral and non-polar, at codon 238 of the TUBA8 protein (p.Ile238Val).

NM_018943.3(TUBA8):c.712A>G (p.Ile238Val)

Gene: TUBA8 (tubulin alpha 8; plus strand). Cytogenetic location: 22q11.21.
Variant type: single nucleotide variant.
Coding change: c.712A>G on transcript NM_018943.3 (MANE Select); coding-DNA position 712, A replaced by G.
Protein change: p.Ile238Val; replaces isoleucine 238 with valine.
Molecular consequence: missense variant.
Genome position (GRCh38, 1-based): chr22:18,126,690, A>G. VCF-style: chr22-18126690-A-G. GRCh37 (hg19) VCF-style: chr22-18609457-A-G.
Other names: c.514A>G, p.Ile172Val (NM_001193414.2); short protein forms I238V, I172V.
Identifiers: ClinVar variation 2060681 (VCV002060681.4), dbSNP rs557317819, ClinGen allele CA10093739.
Genomic context (GRCh38, chr22:18,126,690, plus strand): 5'-GACATTGAGCGCCCTACCTATACCAACCTCAACCGCCTCATCAGTCAGATTGTGTCCTCA[A>G]TCACTGCTTCTCTCCGCTTTGACGGGGCCCTCAATGTGGACCTCACTGAGTTCCAGACCA-3'
Protein context (NP_061816.1, residues 228-248): NRLISQIVSS[Ile238Val]TASLRFDGAL